The following is an entry in ClinVar:

NM_005428.4(VAV1):c.655-3C>T

Gene: VAV1 (vav guanine nucleotide exchange factor 1; plus strand). Cytogenetic location: 19p13.3.
Variant type: single nucleotide variant.
Coding change: c.655-3C>T on transcript NM_005428.4 (MANE Select); 3 bases into the intron before coding-DNA position 655, C replaced by T.
Molecular consequence: intron variant.
Genome position (GRCh38, 1-based): chr19:6,825,050, C>T. VCF-style: chr19-6825050-C-T. GRCh37 (hg19) VCF-style: chr19-6825061-C-T.
Other names: c.655-3C>T (NM_001258206.2); c.559-3C>T (NM_001258207.2).
Identifiers: ClinVar variation 2966806 (VCV002966806.3), dbSNP rs914689177, ClinGen allele CA304806064.

ClinVar aggregate classification (germline): Uncertain significance (1 of 4 stars; one submission).

Allele frequency attached by ClinVar (database versions not stated): TOPMed below 0.00001; gnomAD exomes 0.00006.
gnomAD v4.1: 91 of 1,613,980 alleles (0.0056%); highest among the groups gnomAD compares: Non-Finnish European, 0.0074%; no homozygotes.

Submission:

Labcorp Genetics (formerly Invitae), Labcorp
Classification: Uncertain significance. Last evaluated: 2023-03-14. Review status: criteria provided, single submitter. Criteria: Invitae Variant Classification Sherloc (09022015). Collection method: clinical testing. Allele origin: germline.
Comment: In summary, the available evidence is currently insufficient to determine the role of this variant in disease. Therefore, it has been classified as a Variant of Uncertain Significance. Variants that disrupt the consensus splice site are a relatively common cause of aberrant splicing (PMID: 17576681, 9536098). Algorithms developed to predict the effect of sequence changes on RNA splicing suggest that this variant is not likely to affect RNA splicing. This variant has not been reported in the literature in individuals affected with VAV1-related conditions. This variant is present in population databases (no rsID available, gnomAD 0.0009%). This sequence change falls in intron 6 of the VAV1 gene. It does not directly change the encoded amino acid sequence of the VAV1 protein. It affects a nucleotide within the consensus splice site.

Literature cited by the submitters: PubMed 17576681; PubMed 9536098.